The following is an entry in ClinVar:

ClinVar aggregate classification (germline): Pathogenic. Review status: criteria provided, multiple submitters, no conflicts (2 of 4 stars). 2 submissions from 2 submitters: Pathogenic (2). Last evaluated 2023-02-15.

Conditions:
Hereditary cancer-predisposing syndrome. Also called: Tumor predisposition; Hereditary Cancer Syndrome; Neoplastic Syndromes, Hereditary; Hereditary neoplastic syndrome. Identifiers: Orphanet 140162, MedGen C0027672, MeSH D009386, MONDO:0015356.
Familial cancer of breast. Also called: Hereditary breast cancer; BREAST CANCER, FAMILIAL; hereditary breast carcinoma. Identifiers: Orphanet 227535, MedGen C0346153, MONDO:0016419, OMIM 114480. Disease mechanism: loss of function.

Submissions (2):

Labcorp Genetics (formerly Invitae), Labcorp
Classification: Pathogenic for Familial cancer of breast. Last evaluated: 2023-02-15. Review status: criteria provided, single submitter. Criteria: Invitae Variant Classification Sherloc (09022015). Collection method: clinical testing. Allele origin: germline.
Comment: This sequence change creates a premature translational stop signal (p.Leu960Thrfs*20) in the PALB2 gene. It is expected to result in an absent or disrupted protein product. Loss-of-function variants in PALB2 are known to be pathogenic (PMID: 17200668, 17200671, 17200672, 24136930, 25099575). This variant is not present in population databases (gnomAD no frequency). This variant has not been reported in the literature in individuals affected with PALB2-related conditions. ClinVar contains an entry for this variant (Variation ID: 1797101). For these reasons, this variant has been classified as Pathogenic.

Ambry Genetics
Classification: Pathogenic for Hereditary cancer-predisposing syndrome. Last evaluated: 2020-03-20. Review status: criteria provided, single submitter. Criteria: Ambry Variant Classification Scheme 2023. Collection method: clinical testing. Allele origin: germline.
Comment: The c.2876dupT pathogenic mutation, located in coding exon 9 of the PALB2 gene, results from a duplication of T at nucleotide position 2876, causing a translational frameshift with a predicted alternate stop codon (p.L960Tfs*20). This variant was not reported in population-based cohorts in the Genome Aggregation Database (gnomAD). This alteration is expected to result in loss of function by premature protein truncation or nonsense-mediated mRNA decay. As such, this alteration is interpreted as a disease-causing mutation.

Literature cited by the submitters: PubMed 17200668 (cited by Labcorp Genetics (formerly Invitae), Labcorp); PubMed 17200671 (cited by Labcorp Genetics (formerly Invitae), Labcorp); PubMed 17200672 (cited by Labcorp Genetics (formerly Invitae), Labcorp); PubMed 24136930 (cited by Labcorp Genetics (formerly Invitae), Labcorp); PubMed 25099575 (cited by Labcorp Genetics (formerly Invitae), Labcorp).

NM_024675.4(PALB2):c.2876dup (p.Leu960fs)

Gene: PALB2 (partner and localizer of BRCA2; minus strand). Cytogenetic location: 16p12.2.
Variant type: Duplication.
Coding change: c.2876dup on transcript NM_024675.4 (MANE Select); coding-DNA position 2876, one base duplicated (T; older notation c.2876dupT).
Protein change: p.Leu960fs; shifts the reading frame from leucine 960.
Molecular consequence: frameshift variant.
Genome position (GRCh38, 1-based): chr16:23,623,089, A duplicated on the plus strand (T on the coding strand, the reverse complement: PALB2 is on the minus strand). VCF-style (leftmost placement, unchanged base first): chr16-23623088-T-TA. GRCh37 (hg19) VCF-style: chr16-23634409-T-TA.
Other names: c.1991dup, p.Leu665Thrfs (NM_001407311.1, NM_001407304.1, NM_001407305.1 and 4 more transcripts); c.1088dup, p.Leu364Thrfs (NM_001407312.1, NM_001407313.1); c.410dup, p.Leu138Thrfs (NM_001407314.1); c.2816dup, p.Leu940Thrfs (NM_001407296.1); c.2804dup, p.Leu936Thrfs (NM_001407297.1); c.2714dup, p.Leu906Thrfs (NM_001407298.1, NM_001407302.1); c.2876dup, p.Leu960Thrfs (NM_001407299.1, NM_001407301.1); c.1829dup, p.Leu611Thrfs (NM_001407307.1); and 1 more; short protein forms L960fs.
Identifiers: ClinVar variation 1797101 (VCV001797101.5), dbSNP rs2506336717, ClinGen allele CA2580091368.
Genomic context (GRCh38, chr16:23,623,088, plus strand): 5'-ACTAACTAGCCTCCTCTTTGTCAGGCCAAGCACAGCTTTTATATTTCCAGACTTCAGTAG[T>TA]ACTTGCTTTTCACTTTCATCATCAGAGGAACAAAACAATGCCCTAAGCCAAATATAAGGA-3'